The following is an entry in ClinVar:

ClinVar aggregate classification (germline): Uncertain significance (1 of 4 stars; one submission).

Conditions:
Dilated cardiomyopathy 1G (CMD1G). Identifiers: Orphanet 154, MedGen C1858763, MONDO:0011400, OMIM 604145.
Autosomal recessive limb-girdle muscular dystrophy type 2J (LGMDR10). Also called: Limb-girdle muscular dystrophy, type 2J; MUSCULAR DYSTROPHY, LIMB-GIRDLE, AUTOSOMAL RECESSIVE 10. Identifiers: Orphanet 140922, MedGen C1837342, MONDO:0012127, OMIM 608807.

Allele frequency attached by ClinVar (database versions not stated): TOPMed below 0.00001; gnomAD 0.00001.
gnomAD v4.1: 33 of 1,613,600 alleles (0.002%); highest among the groups gnomAD compares: Non-Finnish European, 0.0026%; no homozygotes.

Submission:

Labcorp Genetics (formerly Invitae), Labcorp
Classification: Uncertain significance for Dilated cardiomyopathy 1G; Autosomal recessive limb-girdle muscular dystrophy type 2J. Last evaluated: 2024-07-30. Review status: criteria provided, single submitter. Criteria: Invitae Variant Classification Sherloc (09022015). Collection method: clinical testing. Allele origin: germline.
Comment: This sequence change replaces proline, which is neutral and non-polar, with leucine, which is neutral and non-polar, at codon 34391 of the TTN protein (p.Pro34391Leu). This variant is present in population databases (no rsID available, gnomAD 0.004%). This variant has not been reported in the literature in individuals affected with TTN-related conditions. ClinVar contains an entry for this variant (Variation ID: 2076111). An algorithm developed to predict the effect of missense changes on protein structure and function outputs the following: PolyPhen-2: "Not Available". The leucine amino acid residue is found in multiple mammalian species, which suggests that this missense change does not adversely affect protein function. This variant is located in the M band of TTN (PMID: 25589632). Non-truncating variants in this region may be relevant for neuromuscular disorders, but have not been definitively shown to cause cardiomyopathy (PMID: 23975875). In summary, the available evidence is currently insufficient to determine the role of this variant in disease. Therefore, it has been classified as a Variant of Uncertain Significance.

Literature cited by the submitters: PubMed 25589632; PubMed 23975875.

NM_001267550.2(TTN):c.103172C>T (p.Pro34391Leu)

Genes: TTN (titin; minus strand), TTN-AS1 (TTN antisense RNA 1; plus strand). Cytogenetic location: 2q31.2.
Variant type: single nucleotide variant.
Coding change: c.103172C>T on transcript NM_001267550.2 (MANE Select); coding-DNA position 103172, C replaced by T.
Protein change: p.Pro34391Leu; replaces proline 34391 with leucine.
Molecular consequence: missense variant.
Genome position (GRCh38, 1-based): chr2:178,533,443, G>A on the plus strand (C>T on the coding strand, the complement: TTN is on the minus strand). VCF-style: chr2-178533443-G-A. GRCh37 (hg19) VCF-style: chr2-179398170-G-A.
Other names: c.98249C>T, p.Pro32750Leu (NM_001256850.1); c.75977C>T, p.Pro25326Leu (NM_003319.4); c.95468C>T, p.Pro31823Leu (NM_133378.4); c.76352C>T, p.Pro25451Leu (NM_133432.3); c.76553C>T, p.Pro25518Leu (NM_133437.4); short protein forms P25451L, P25518L, P34391L, P25326L, P31823L, P32750L.
Identifiers: ClinVar variation 2076111 (VCV002076111.2), dbSNP rs775343253, ClinGen allele CA349414915.